The following is an entry in ClinVar:

NM_004370.6(COL12A1):c.2559G>C (p.Gly853=)

Gene: COL12A1 (collagen type XII alpha 1 chain; minus strand). Cytogenetic location: 6q13.
Variant type: single nucleotide variant.
Coding change: c.2559G>C on transcript NM_004370.6 (MANE Select); coding-DNA position 2559, G replaced by C.
Protein change: p.Gly853=; no amino-acid change (glycine 853 retained).
Molecular consequence: synonymous variant. On other transcripts: intron variant (1).
Genome position (GRCh38, 1-based): chr6:75,175,189, C>G on the plus strand (G>C on the coding strand, the complement: COL12A1 is on the minus strand). VCF-style: chr6-75175189-C-G. GRCh37 (hg19) VCF-style: chr6-75884905-C-G.
Other names: c.74-22707G>C (NM_080645.3).
Identifiers: ClinVar variation 2127728 (VCV002127728.4), dbSNP rs769813810, ClinGen allele CA3893946.
Genomic context (GRCh38, chr6:75,175,189, plus strand): 5'-CAATCCCTGCAGCACCGTATTGGTTGTATCTCCCCTCACAGTGACCTCTTGAGTTTCACC[C>G]CCTGCCACTGGGGTATATGTGACGAGATACTGTTTCACTTTTCCTGGTGCCCCACTCCAA-3'
Protein context (NP_004361.3, residues 843-863): QYLVTYTPVA[Gly853=]GETQEVTVRG

ClinVar aggregate classification (germline): Uncertain significance (1 of 4 stars; one submission).

Conditions:
Ullrich congenital muscular dystrophy 2 (UCMD2). Identifiers: Orphanet 75840, MedGen C4225314, MONDO:0014654, OMIM 616470.
Bethlem myopathy 2 (BTHLM2). Identifiers: Orphanet 536516, Orphanet 610, MedGen C4225313, MONDO:0034022, OMIM 616471.

Allele frequency attached by ClinVar (database versions not stated): ExAC 0.00001; gnomAD 0.00001.
gnomAD v4.1: 2 of 1,614,024 alleles (0.00012%); highest among the groups gnomAD compares: Non-Finnish European, 0.00017%; no homozygotes.

Submission:

Labcorp Genetics (formerly Invitae), Labcorp
Classification: Uncertain significance for Bethlem myopathy 2; Ullrich congenital muscular dystrophy 2. Last evaluated: 2022-10-03. Review status: criteria provided, single submitter. Criteria: Invitae Variant Classification Sherloc (09022015). Collection method: clinical testing. Allele origin: germline.
Comment: This variant is present in population databases (rs769813810, gnomAD 0.0009%). This variant has not been reported in the literature in individuals affected with COL12A1-related conditions. Algorithms developed to predict the effect of sequence changes on RNA splicing suggest that this variant may create or strengthen a splice site. In summary, the available evidence is currently insufficient to determine the role of this variant in disease. Therefore, it has been classified as a Variant of Uncertain Significance. This sequence change affects codon 853 of the COL12A1 mRNA. It is a 'silent' change, meaning that it does not change the encoded amino acid sequence of the COL12A1 protein.